The following is an entry in ClinVar:

NM_004329.3(BMPR1A):c.263A>G (p.Glu88Gly)

Gene: BMPR1A (bone morphogenetic protein receptor type 1A; plus strand). Cytogenetic location: 10q23.2.
Variant type: single nucleotide variant.
Coding change: c.263A>G on transcript NM_004329.3 (MANE Select); coding-DNA position 263, A replaced by G.
Protein change: p.Glu88Gly; replaces glutamic acid 88 with glycine.
Molecular consequence: missense variant.
Genome position (GRCh38, 1-based): chr10:86,892,159, A>G. VCF-style: chr10-86892159-A-G. GRCh37 (hg19) VCF-style: chr10-88651916-A-G.
Other names: short protein forms E88G.
Identifiers: ClinVar variation 821601 (VCV000821601.5), dbSNP rs1589764297, ClinGen allele CA377448051.

ClinVar aggregate classification (germline): Uncertain significance. Review status: criteria provided, multiple submitters, no conflicts (2 of 4 stars). 2 submissions from 2 submitters: Uncertain significance (2). Last evaluated 2025-12-10.

Conditions:
Hereditary cancer-predisposing syndrome. Also called: Hereditary Cancer Syndrome; Neoplastic Syndromes, Hereditary; Hereditary neoplastic syndrome; Tumor predisposition. Identifiers: Orphanet 140162, MedGen C0027672, MeSH D009386, MONDO:0015356.
Juvenile polyposis syndrome (JPS). Identifiers: Orphanet 2929, MedGen C0345893, MONDO:0017380, OMIM 174900.

Submissions (2):

Labcorp Genetics (formerly Invitae), Labcorp
Classification: Uncertain significance for Juvenile polyposis syndrome. Last evaluated: 2025-12-10. Review status: criteria provided, single submitter. Criteria: Invitae Variant Classification Sherloc (09022015). Collection method: clinical testing. Allele origin: germline.
Comment: This sequence change replaces glutamic acid, which is acidic and polar, with glycine, which is neutral and non-polar, at codon 88 of the BMPR1A protein (p.Glu88Gly). This variant is not present in population databases (gnomAD no frequency). This variant has not been reported in the literature in individuals affected with BMPR1A-related conditions. ClinVar contains an entry for this variant (Variation ID: 821601). Invitae Evidence Modeling of protein sequence and biophysical properties (such as structural, functional, and spatial information, amino acid conservation, physicochemical variation, residue mobility, and thermodynamic stability) has been performed for this missense variant. However, the output from this modeling did not meet the statistical confidence thresholds required to predict the impact of this variant on BMPR1A protein function. In summary, the available evidence is currently insufficient to determine the role of this variant in disease. Therefore, it has been classified as a Variant of Uncertain Significance.

Ambry Genetics
Classification: Uncertain significance for Hereditary cancer-predisposing syndrome. Last evaluated: 2019-10-19. Review status: criteria provided, single submitter. Criteria: Ambry Variant Classification Scheme 2023. Collection method: clinical testing. Allele origin: germline.
Comment: The p.E88G variant (also known as c.263A>G), located in coding exon 3 of the BMPR1A gene, results from an A to G substitution at nucleotide position 263. The glutamic acid at codon 88 is replaced by glycine, an amino acid with similar properties. This amino acid position is highly conserved in available vertebrate species. In addition, this alteration is predicted to be deleterious by in silico analysis. Since supporting evidence is limited at this time, the clinical significance of this alteration remains unclear.